The following is an entry in ClinVar:

NM_000540.3(RYR1):c.14335T>C (p.Trp4779Arg)

Gene: RYR1 (ryanodine receptor 1; plus strand). Cytogenetic location: 19q13.2.
Variant type: single nucleotide variant.
Coding change: c.14335T>C on transcript NM_000540.3 (MANE Select); coding-DNA position 14335, T replaced by C.
Protein change: p.Trp4779Arg; replaces tryptophan 4779 with arginine.
Molecular consequence: missense variant.
Genome position (GRCh38, 1-based): chr19:38,578,175, T>C. VCF-style: chr19-38578175-T-C. GRCh37 (hg19) VCF-style: chr19-39068815-T-C.
Other names: c.14320T>C, p.Trp4774Arg (NM_001042723.2); short protein forms W4774R, W4779R.
Identifiers: ClinVar variation 999164 (VCV000999164.8), dbSNP rs1974044905, ClinGen allele CA405685221.

ClinVar aggregate classification (germline): Uncertain significance (1 of 4 stars; one submission).

Conditions:
RYR1-related disorder. Also called: RYR1-related condition; RYR1-related disorders. Identifiers: MedGen CN239331.

Submission:

Labcorp Genetics (formerly Invitae), Labcorp
Classification: Uncertain significance for RYR1-related disorder. Last evaluated: 2021-03-24. Review status: criteria provided, single submitter. Criteria: Invitae Variant Classification Sherloc (09022015). Collection method: clinical testing. Allele origin: germline.
Comment: In summary, the available evidence is currently insufficient to determine the role of this variant in disease. Therefore, it has been classified as a Variant of Uncertain Significance. Advanced modeling of protein sequence and biophysical properties (such as structural, functional, and spatial information, amino acid conservation, physicochemical variation, residue mobility, and thermodynamic stability) performed at Invitae indicates that this missense variant is expected to disrupt RYR1 protein function. This variant has not been reported in the literature in individuals with RYR1-related conditions. This variant is not present in population databases (ExAC no frequency). This sequence change replaces tryptophan with arginine at codon 4779 of the RYR1 protein (p.Trp4779Arg). The tryptophan residue is highly conserved and there is a moderate physicochemical difference between tryptophan and arginine.